The following is an entry in ClinVar:

NM_020366.4(RPGRIP1):c.1762+1G>T

Gene: RPGRIP1 (RPGR interacting protein 1; plus strand). Cytogenetic location: 14q11.2.
Variant type: single nucleotide variant.
Coding change: c.1762+1G>T on transcript NM_020366.4 (MANE Select); the canonical splice donor site of the intron after coding-DNA position 1762, G replaced by T.
Molecular consequence: splice donor variant.
Genome position (GRCh38, 1-based): chr14:21,322,005, G>T. VCF-style: chr14-21322005-G-T. GRCh37 (hg19) VCF-style: chr14-21790164-G-T.
Other names: c.688+1G>T (NM_001377948.1, NM_001377949.1, NM_001377523.1 and 1 more transcripts); c.190+1G>T (NM_001377951.1).
Identifiers: ClinVar variation 4787326 (VCV004787326.2).
Genomic context (GRCh38, chr14:21,322,005, plus strand): 5'-AGAATAACCGTATCAAGCAGCTGGAAGGTATTTTAAGAAGCCATGACCTTCCAACATCTG[G>T]CAAGTCTTAGTCCTTTGTTCTCCTCACTTCGGGACCCTTCCACAGCTAACGCCTGTGTTC-3'

ClinVar aggregate classification (germline): Conflicting classifications of pathogenicity. Review status: criteria provided, conflicting classifications (1 of 4 stars). 2 submissions from 2 submitters: Likely pathogenic (1); Uncertain significance (1). Last evaluated 2026-01-20.

Conditions:
Cone-rod dystrophy 13 (CORD13). Identifiers: Orphanet 1872, MedGen C2750720, MONDO:0011987, OMIM 608194.
Leber congenital amaurosis 6 (LCA6). Identifiers: Orphanet 65, MedGen C1854260, MONDO:0013446, OMIM 613826.

gnomAD v4.1: 1 of 1,611,662 alleles (0.000062%); highest among the groups gnomAD compares: Non-Finnish European, 0.000085%; no homozygotes.

Submissions (2):

Labcorp Genetics (formerly Invitae), Labcorp
Classification: Likely pathogenic for Leber congenital amaurosis 6; Cone-rod dystrophy 13. Last evaluated: 2026-01-20. Review status: criteria provided, single submitter. Criteria: Invitae Variant Classification Sherloc (09022015). Collection method: clinical testing. Allele origin: germline.
Comment: This sequence change affects a donor splice site in intron 13 of the RPGRIP1 gene. It is expected to disrupt RNA splicing. Variants that disrupt the donor or acceptor splice site typically lead to a loss of protein function (PMID: 16199547), and loss-of-function variants in RPGRIP1 are known to be pathogenic (PMID: 11528500, 23105016). This variant is present in population databases (rs768538334, gnomAD 0.0009%). This variant has not been reported in the literature in individuals affected with RPGRIP1-related conditions. Algorithms developed to predict the effect of sequence changes on RNA splicing suggest that this variant may disrupt the consensus splice site. In summary, the currently available evidence indicates that the variant is pathogenic, but additional data are needed to prove that conclusively. Therefore, this variant has been classified as Likely Pathogenic.

Blueprint Genetics
Classification: Uncertain significance. Last evaluated: 2024-03-13. Review status: criteria provided, single submitter. Criteria: ACMG Guidelines, 2015. Collection method: clinical testing. Allele origin: germline.

Literature cited by the submitters: PubMed 16199547 (cited by Labcorp Genetics (formerly Invitae), Labcorp); PubMed 11528500 (cited by Labcorp Genetics (formerly Invitae), Labcorp); PubMed 23105016 (cited by Labcorp Genetics (formerly Invitae), Labcorp).